The following is an entry in ClinVar:

NM_022765.4(MICAL1):c.2788A>G (p.Thr930Ala)

Gene: MICAL1 (microtubule associated monooxygenase, calponin and LIM domain containing 1; minus strand). Cytogenetic location: 6q21.
Variant type: single nucleotide variant.
Coding change: c.2788A>G on transcript NM_022765.4 (MANE Select); coding-DNA position 2788, A replaced by G.
Protein change: p.Thr930Ala; replaces threonine 930 with alanine.
Molecular consequence: missense variant.
Genome position (GRCh38, 1-based): chr6:109,445,290, T>C on the plus strand (A>G on the coding strand, the complement: MICAL1 is on the minus strand). VCF-style: chr6-109445290-T-C. GRCh37 (hg19) VCF-style: chr6-109766493-T-C.
Other names: c.2530A>G, p.Thr844Ala (NM_001159291.2); c.2845A>G, p.Thr949Ala (NM_001286613.2); short protein forms T844A, T949A, T930A.
Identifiers: ClinVar variation 1514634 (VCV001514634.6), dbSNP rs757547638, ClinGen allele CA3952744.

ClinVar aggregate classification (germline): Uncertain significance (1 of 4 stars; one submission).

Allele frequency attached by ClinVar (database versions not stated): gnomAD exomes below 0.00001; ExAC 0.00001; TOPMed 0.00001.
gnomAD v4.1: 3 of 1,614,062 alleles (0.00019%); highest among the groups gnomAD compares: Admixed American, 0.005%; no homozygotes.

Submission:

Labcorp Genetics (formerly Invitae), Labcorp
Classification: Uncertain significance. Last evaluated: 2023-04-24. Review status: criteria provided, single submitter. Criteria: Invitae Variant Classification Sherloc (09022015). Collection method: clinical testing. Allele origin: germline.
Comment: In summary, the available evidence is currently insufficient to determine the role of this variant in disease. Therefore, it has been classified as a Variant of Uncertain Significance. This sequence change replaces threonine, which is neutral and polar, with alanine, which is neutral and non-polar, at codon 949 of the MICAL1 protein (p.Thr949Ala). This variant is present in population databases (rs757547638, gnomAD 0.003%). This variant has not been reported in the literature in individuals affected with MICAL1-related conditions. ClinVar contains an entry for this variant (Variation ID: 1514634). Algorithms developed to predict the effect of missense changes on protein structure and function output the following: SIFT: "Not Available"; PolyPhen-2: "Benign"; Align-GVGD: "Not Available". The alanine amino acid residue is found in multiple mammalian species, which suggests that this missense change does not adversely affect protein function.